The following is an entry in ClinVar:

ClinVar aggregate classification (germline): Benign. Review status: criteria provided, multiple submitters, no conflicts (2 of 4 stars). 3 submissions from 3 submitters: Benign (3). Last evaluated 2024-07-31.

Allele frequency attached by ClinVar (database versions not stated): gnomAD exomes 0.22079; gnomAD 0.22456 and 0.23374; 1000 Genomes Project 30x 0.35166; 1000 Genomes Project 0.35483; TOPMed 0.24650.
gnomAD v4.1: 217,373 of 975,240 alleles (22%); highest among the groups gnomAD compares: East Asian, 64%; 30,009 homozygotes.

Submissions (7):

Unidad de Genómica Garrahan, Hospital de Pediatría Garrahan
Classification: Benign. Last evaluated: 2024-07-31. Review status: criteria provided, single submitter. Criteria: ACMG Guidelines, 2015. Collection method: clinical testing. Allele origin: germline. Affected: no. Observed: 36 variant alleles.
Comment: This variant is classified as Benign based on local population frequency. This variant was detected in 39% of patients studied in a panel designed for Epileptic and Developmental Encephalopathy, Progressive Myoclonus Epilepsy and Abnormal Movements and Neurodegeneration with brain iron accumulation. Number of patients: 36. Only high quality variants are reported.

GeneDx
Classification: Benign. Last evaluated: 2018-06-14. Review status: criteria provided, single submitter. Criteria: GeneDx Variant Classification (06012015). Collection method: clinical testing. Allele origin: germline. Affected: yes.
Comment: This variant is considered likely benign or benign based on one or more of the following criteria: it is a conservative change, it occurs at a poorly conserved position in the protein, it is predicted to be benign by multiple in silico algorithms, and/or has population frequency not consistent with disease.

Breakthrough Genomics
Classification: Benign. Review status: criteria provided, single submitter. Criteria: ACMG Guidelines, 2015. Collection method: not provided. Allele origin: germline. Inheritance: Autosomal dominant inheritance. Affected: yes.

Dr. Peter K. Rogan Lab, Western University
No classification provided (evidence only). Condition: Malignant lymphoma, large B-cell, diffuse. Review status: no classification provided. Collection method: in vitro. Allele origin: not applicable. Functional consequence: retained intron. Not counted in ClinVar's aggregate classification.

Dr. Peter K. Rogan Lab, Western University
No classification provided (evidence only). Condition: Malignant lymphoma, large B-cell, diffuse. Review status: no classification provided. Collection method: in vitro. Allele origin: not applicable. Functional consequence: retained intron. Not counted in ClinVar's aggregate classification.

Dr. Peter K. Rogan Lab, Western University
No classification provided (evidence only). Condition: Malignant lymphoma, large B-cell, diffuse. Review status: no classification provided. Collection method: in vitro. Allele origin: not applicable. Functional consequence: retained intron. Not counted in ClinVar's aggregate classification.

Dr. Peter K. Rogan Lab, Western University
No classification provided (evidence only). Condition: Malignant lymphoma, large B-cell, diffuse. Review status: no classification provided. Collection method: in vitro. Allele origin: not applicable. Functional consequence: retained intron. Not counted in ClinVar's aggregate classification.

NM_001127222.2(CACNA1A):c.5249+78G>T

Gene: CACNA1A (calcium voltage-gated channel subunit alpha1 A; minus strand). Cytogenetic location: 19p13.13.
Variant type: single nucleotide variant.
Coding change: c.5249+78G>T on transcript NM_001127222.2 (MANE Select); 78 bases into the intron after coding-DNA position 5249, G replaced by T.
Molecular consequence: intron variant.
Genome position (GRCh38, 1-based): chr19:13,234,843, C>A on the plus strand (G>T on the coding strand, the complement: CACNA1A is on the minus strand). VCF-style: chr19-13234843-C-A. GRCh37 (hg19) VCF-style: chr19-13345657-C-A.
Other names: NC_000019.9:g.13345657C>A; c.5252+78G>T (NM_001127221.2); c.5258+78G>T (NM_001174080.2); c.5267+78G>T (NM_000068.4, NM_023035.3).
Identifiers: ClinVar variation 678181 (VCV000678181.5), dbSNP rs3765012, ClinGen allele CA14697540.
Genomic context (GRCh38, chr19:13,234,843, plus strand): 5'-CGCGCCCCTGCCAGAAGAGAAGGAGGAGGGCACGTCTTGCATTGGAAGAGGAGGGTACAT[C>A]CTCTATGGGAACAGAAGGATGAAGGCAGGCACCCCACCCCACGGAAACAGAATTATCAGA-3'